The following is an entry in ClinVar:

NM_001845.6(COL4A1):c.3095G>A (p.Gly1032Asp)

Gene: COL4A1 (collagen type IV alpha 1 chain; minus strand). Cytogenetic location: 13q34.
Variant type: single nucleotide variant.
Coding change: c.3095G>A on transcript NM_001845.6 (MANE Select); coding-DNA position 3095, G replaced by A.
Protein change: p.Gly1032Asp; replaces glycine 1032 with aspartic acid.
Molecular consequence: missense variant.
Genome position (GRCh38, 1-based): chr13:110,175,321, C>T on the plus strand (G>A on the coding strand, the complement: COL4A1 is on the minus strand). VCF-style: chr13-110175321-C-T. GRCh37 (hg19) VCF-style: chr13-110827668-C-T.
Other names: short protein forms G1032D.
Identifiers: ClinVar variation 2764999 (VCV002764999.3), dbSNP rs2139161185, ClinGen allele CA388665621.

ClinVar aggregate classification (germline): Pathogenic (1 of 4 stars; one submission).

Submission:

Labcorp Genetics (formerly Invitae), Labcorp
Classification: Pathogenic. Last evaluated: 2024-08-22. Review status: criteria provided, single submitter. Criteria: Invitae Variant Classification Sherloc (09022015). Collection method: clinical testing. Allele origin: germline.
Comment: This sequence change replaces glycine, which is neutral and non-polar, with aspartic acid, which is acidic and polar, at codon 1032 of the COL4A1 protein (p.Gly1032Asp). This variant is not present in population databases (gnomAD no frequency). This missense change has been observed in individual(s) with clinical features of COL4A1-related conditions (internal data). In at least one individual the variant was observed to be de novo. An algorithm developed to predict the effect of missense changes on protein structure and function (PolyPhen-2) suggests that this variant is likely to be disruptive. This variant disrupts the triple helix domain of COL4A1. Glycine residues within the Gly-Xaa-Yaa repeats of the triple helix domain are required for the structure and stability of fibrillar collagens (PMID: 7695699, 8218237, 19344236). In COL4A1 variants affecting these glycine residues are significantly enriched in individuals with disease (PMID: 9016532, 17078022) compared to the general population (ExAC). For these reasons, this variant has been classified as Pathogenic.

Literature cited by the submitters: PubMed 7695699; PubMed 8218237; PubMed 19344236; PubMed 9016532; PubMed 17078022.